The following is an entry in ClinVar:

ClinVar aggregate classification (germline): Uncertain significance. Review status: criteria provided, multiple submitters, no conflicts (2 of 4 stars). 2 submissions from 2 submitters: Uncertain significance (2). Last evaluated 2026-04-21.

Conditions:
Platelet-type bleeding disorder 17 (BDPLT17). Also called: Thrombasthenia-thrombocytopenia, hereditary. Identifiers: Orphanet 721, MedGen C1861194, MONDO:0008553, OMIM 187900.
GFI1B-related disorder. Also called: GFI1B-related condition.

Allele frequency attached by ClinVar (database versions not stated): ExAC 0.00003; TOPMed 0.00005; gnomAD 0.00007; ESP Exome Variant Server 0.00008.
gnomAD v4.1: 17 of 1,612,430 alleles (0.0011%); highest among the groups gnomAD compares: African/African-American, 0.023%; no homozygotes.

Submissions (2):

PreventionGenetics, part of Exact Sciences
Classification: Uncertain significance for GFI1B-related condition. Last evaluated: 2026-04-21. Review status: criteria provided, single submitter. Criteria: ACMG Guidelines, 2015. Collection method: clinical testing. Allele origin: germline.
Comment: The GFI1B c.648G>C variant is predicted to result in the amino acid substitution p.Gln216His. To our knowledge, this variant has not been reported in the literature. This variant is reported in 0.032% of alleles in individuals of African descent in gnomAD. At this time, the clinical significance of this variant is uncertain due to the absence of conclusive functional and genetic evidence.

Revvity Omics, Revvity
Classification: Uncertain significance for Platelet-type bleeding disorder 17. Last evaluated: 2020-09-10. Review status: criteria provided, single submitter. Criteria: ACMG Guidelines, 2015. Collection method: clinical testing. Allele origin: germline.

NM_001377304.1(GFI1B):c.648G>C (p.Gln216His)

Gene: GFI1B (growth factor independent 1B transcriptional repressor; plus strand). Cytogenetic location: 9q34.13.
Variant type: single nucleotide variant.
Coding change: c.648G>C on transcript NM_001377304.1 (MANE Select); coding-DNA position 648, G replaced by C.
Protein change: p.Gln216His; replaces glutamine 216 with histidine.
Molecular consequence: missense variant. On other transcripts: intron variant (2).
Genome position (GRCh38, 1-based): chr9:132,989,198, G>C. VCF-style: chr9-132989198-G-C. GRCh37 (hg19) VCF-style: chr9-135864585-G-C.
Other names: c.648G>C, p.Gln216His (NM_001371908.1, NM_004188.8); c.511-544G>C (NM_001135031.2, NM_001377305.1); c.648G>C (NM_004188.6); short protein forms Q216H.
Identifiers: ClinVar variation 2432114 (VCV002432114.4), dbSNP rs373796028, ClinGen allele CA5302024.